The following is an entry in ClinVar:

ClinVar aggregate classification (germline): Conflicting classifications of pathogenicity. Review status: criteria provided, conflicting classifications (1 of 4 stars). 7 submissions from 7 submitters: Uncertain significance (1); Benign (4); Likely benign (2). Last evaluated 2026-06-01.

Conditions:
Familial thoracic aortic aneurysm and aortic dissection (TAAD). Also called: Thoracic aortic aneurysms and dissections. Identifiers: Orphanet 91387, MedGen C4707243, MONDO:0019625.
Ehlers-Danlos syndrome, type 4 (EDSVASC). Also called: Ehlers-Danlos syndrome vascular type; Ehlers Danlos syndrome, ecchymotic type; Ehlers Danlos syndrome, arterial type; Ehlers Danlos syndrome, Sack-Barabas type; Ehlers-Danlos Syndrome Type IV. Identifiers: Orphanet 286, MedGen C0268338, MONDO:0017314, OMIM 130050.

Allele frequency attached by ClinVar (database versions not stated): ESP Exome Variant Server 0.00040; gnomAD exomes 0.00041 and 0.00080; gnomAD 0.00055 and 0.00059; ExAC 0.00056; TOPMed 0.00058.

Submissions (7):

CeGaT Center for Human Genetics Tuebingen
Classification: Likely benign. Last evaluated: 2026-06-01. Review status: criteria provided, single submitter. Criteria: CeGaT Center For Human Genetics Tuebingen Variant Classification Criteria Version 2. Collection method: clinical testing. Allele origin: germline. Affected: yes. Observed: 2 variant alleles.
Comment: COL3A1: PP3, BS2

Labcorp Genetics (formerly Invitae), Labcorp
Classification: Benign for Ehlers-Danlos syndrome, type 4. Last evaluated: 2026-02-02. Review status: criteria provided, single submitter. Criteria: Invitae Variant Classification Sherloc (09022015). Collection method: clinical testing. Allele origin: germline.

Blueprint Genetics
Classification: Likely benign. Last evaluated: 2024-11-21. Review status: criteria provided, single submitter. Criteria: ACMG Guidelines, 2015. Collection method: clinical testing. Allele origin: germline.

Women's Health and Genetics/Laboratory Corporation of America, LabCorp
Classification: Benign. Last evaluated: 2023-10-23. Review status: criteria provided, single submitter. Criteria: LabCorp Variant Classification Summary - May 2015. Collection method: clinical testing. Allele origin: germline.
Comment: Variant summary: COL3A1 c.3202-14delT alters a nucleotide located at a position not widely known to affect splicing. Several computational tools predict a significant impact on normal splicing: Two predict the variant abolishes a 3 acceptor site. One predict the variant weakens a 3' acceptor site. Two predict the variant creates a 3' acceptor site. However, these predictions have yet to be confirmed by functional studies. The variant allele was found at a frequency of 0.0008 in 251392 control chromosomes. The observed variant frequency is approximately 640 fold of the estimated maximal expected allele frequency for a pathogenic variant in COL3A1 causing Aortopathy phenotype (1.3e-06), strongly suggesting that the variant is benign. To our knowledge, no occurrence of c.3202-14delT in individuals affected with Aortopathy and no experimental evidence demonstrating its impact on protein function have been reported. Three submitters have cited clinical-significance assessments for this variant to ClinVar after 2014. All submitters classified the variant as benign/likely benign. Based on the evidence outlined above, the variant was classified as benign.

Mayo Clinic Laboratories, Mayo Clinic
Classification: Uncertain significance. Last evaluated: 2022-02-11. Review status: criteria provided, single submitter. Criteria: ACMG Guidelines, 2015. Collection method: clinical testing. Allele origin: germline. Observed: 1 variant allele.
Comment: BS1, PP3

Color Diagnostics, LLC DBA Color Health
Classification: Benign for Familial thoracic aortic aneurysm and aortic dissection. Last evaluated: 2018-04-07. Review status: criteria provided, single submitter. Criteria: ACMG Guidelines, 2015. Collection method: clinical testing. Allele origin: germline.

GeneDx
Classification: Benign for Thoracic aortic aneurysms and aortic dissections. Last evaluated: 2014-02-16. Review status: criteria provided, single submitter. Criteria: GeneDx Variant Classification (06012015). Collection method: clinical testing. Allele origin: germline. Affected: yes.
Comment: The variant is found in TAAD panel(s).

NM_000090.4(COL3A1):c.3202-14del

Gene: COL3A1 (collagen type III alpha 1 chain; plus strand). Cytogenetic location: 2q32.2.
Variant type: Deletion.
Coding change: c.3202-14del on transcript NM_000090.4 (MANE Select); 14 bases into the intron before coding-DNA position 3202, one base deleted (T; older notation c.3202-14delT).
Molecular consequence: intron variant.
Genome position (GRCh38, 1-based): chr2:189,006,923, T deleted. VCF-style (leftmost placement, unchanged base first): chr2-189006922-AT-A. GRCh37 (hg19) VCF-style: chr2-189871648-AT-A.
Other names: c.3202-14delT (NM_000090.3, NM_000090.4).
Identifiers: ClinVar variation 199703 (VCV000199703.21), dbSNP rs767971610, ClinGen allele CA006174.